The following is an entry in ClinVar:

ClinVar aggregate classification (germline): Uncertain significance (1 of 4 stars; one submission).

Submission:

Ambry Genetics
Classification: Uncertain significance. Last evaluated: 2025-12-06. Review status: criteria provided, single submitter. Criteria: Ambry Variant Classification Scheme 2023. Collection method: clinical testing. Allele origin: germline.
Comment: The p.N24H variant (also known as c.70A>C), located in coding exon 1 of the FAM175A gene, results from an A to C substitution at nucleotide position 70. The asparagine at codon 24 is replaced by histidine, an amino acid with similar properties. This amino acid position is conserved. In addition, this alteration is predicted to be tolerated by in silico analysis. Based on the available evidence, the clinical significance of this variant remains unclear.

NM_139076.3(ABRAXAS1):c.70A>C (p.Asn24His)

Genes: ABRAXAS1 (abraxas 1, BRCA1 A complex subunit; minus strand), LOC129992784 (ATAC-STARR-seq lymphoblastoid silent region 15542; plus strand). Cytogenetic location: 4q21.23.
Variant type: single nucleotide variant.
Coding change: c.70A>C on transcript NM_139076.3 (MANE Select); coding-DNA position 70, A replaced by C.
Protein change: p.Asn24His; replaces asparagine 24 with histidine.
Molecular consequence: missense variant. On other transcripts: 5 prime UTR variant (1).
Genome position (GRCh38, 1-based): chr4:83,485,003, T>G on the plus strand (A>C on the coding strand, the complement: ABRAXAS1 is on the minus strand). VCF-style: chr4-83485003-T-G. GRCh37 (hg19) VCF-style: chr4-84406156-T-G.
Other names: c.-191A>C (NM_001345962.2); short protein forms N24H.
Identifiers: ClinVar variation 4636463 (VCV004636463.1).